The following is an entry in ClinVar:

NM_006158.5(NEFL):c.628G>C (p.Glu210Gln)

Gene: NEFL (neurofilament light chain; minus strand). Cytogenetic location: 8p21.2.
Variant type: single nucleotide variant.
Coding change: c.628G>C on transcript NM_006158.5 (MANE Select); coding-DNA position 628, G replaced by C.
Protein change: p.Glu210Gln; replaces glutamic acid 210 with glutamine.
Molecular consequence: missense variant.
Genome position (GRCh38, 1-based): chr8:24,955,888, C>G on the plus strand (G>C on the coding strand, the complement: NEFL is on the minus strand). VCF-style: chr8-24955888-C-G. GRCh37 (hg19) VCF-style: chr8-24813402-C-G.
Other names: short protein forms E210Q.
Identifiers: ClinVar variation 1256164 (VCV001256164.6), dbSNP rs199422214, ClinGen allele CA370621989.

ClinVar aggregate classification (germline): Conflicting classifications of pathogenicity. Review status: criteria provided, conflicting classifications (1 of 4 stars). 3 submissions from 3 submitters: Uncertain significance (2); Likely benign (1). Last evaluated 2024-11-12.

Conditions:
Charcot-Marie-Tooth disease type 2E (CMT2E). Also called: CHARCOT-MARIE-TOOTH DISEASE, AXONAL, TYPE 2E; CHARCOT-MARIE-TOOTH NEUROPATHY, TYPE 2E. Identifiers: Orphanet 99939, MedGen C1843225, MONDO:0011894, OMIM 607684.

Allele frequency attached by ClinVar (database versions not stated): gnomAD exomes 0.00002; TOPMed 0.00006; gnomAD 0.00009 and 0.00010; 1000 Genomes Project 30x 0.00016.

Submissions (3):

Labcorp Genetics (formerly Invitae), Labcorp
Classification: Uncertain significance for Charcot-Marie-Tooth disease type 2E. Last evaluated: 2024-11-12. Review status: criteria provided, single submitter. Criteria: Invitae Variant Classification Sherloc (09022015). Collection method: clinical testing. Allele origin: germline.
Comment: This sequence change replaces glutamic acid, which is acidic and polar, with glutamine, which is neutral and polar, at codon 210 of the NEFL protein (p.Glu210Gln). This variant is present in population databases (no rsID available, gnomAD 0.01%). This variant has not been reported in the literature in individuals affected with NEFL-related conditions. ClinVar contains an entry for this variant (Variation ID: 1256164). Invitae Evidence Modeling of protein sequence and biophysical properties (such as structural, functional, and spatial information, amino acid conservation, physicochemical variation, residue mobility, and thermodynamic stability) indicates that this missense variant is not expected to disrupt NEFL protein function with a negative predictive value of 80%. In summary, the available evidence is currently insufficient to determine the role of this variant in disease. Therefore, it has been classified as a Variant of Uncertain Significance.

Revvity Omics, Revvity
Classification: Uncertain significance. Last evaluated: 2021-06-11. Review status: criteria provided, single submitter. Criteria: ACMG Guidelines, 2015. Collection method: clinical testing. Allele origin: germline.

Athena Diagnostics
Classification: Likely benign. Last evaluated: 2021-04-05. Review status: criteria provided, single submitter. Criteria: Athena Diagnostics criteria. Collection method: clinical testing. Allele origin: unknown.